The following is an entry in ClinVar:

ClinVar aggregate classification (germline): Pathogenic. Review status: criteria provided, multiple submitters, no conflicts (2 of 4 stars). 4 submissions from 4 submitters: Pathogenic (3). 1 of the submissions does not count toward it. Last evaluated 2025-06-16.

Conditions:
NF1-related disorder. Also called: NF1-related condition. Identifiers: MedGen CN379171.
Cardiovascular phenotype. Identifiers: MedGen CN230736.
Hereditary cancer-predisposing syndrome. Also called: Neoplastic Syndromes, Hereditary; Tumor predisposition; Hereditary Cancer Syndrome; Hereditary neoplastic syndrome. Identifiers: Orphanet 140162, MedGen C0027672, MeSH D009386, MONDO:0015356.
Neurofibromatosis, type 1 (NF1). Also called: VON RECKLINGHAUSEN DISEASE; NEUROFIBROMATOSIS, TYPE I, SOMATIC; Peripheral type neurofibromatosis; Neurofibromatosis, type I. Identifiers: Orphanet 636, MedGen C0027831, MONDO:0018975, OMIM 162200. Disease mechanism: loss of function.

Submissions (4):

Ambry Genetics
Classification: Pathogenic for Cardiovascular phenotype; Hereditary cancer-predisposing syndrome. Last evaluated: 2025-06-16. Review status: criteria provided, single submitter. Criteria: Ambry Variant Classification Scheme 2023. Collection method: clinical testing. Allele origin: germline.
Comment: The c.6522_6523dupGA pathogenic mutation, located in coding exon 42 of the NF1 gene, results from a duplication of GA at nucleotide position 6522, causing a translational frameshift with a predicted alternate stop codon (p.T2175Rfs*5). This variant was reported in individual(s) with features consistent with neurofibromatosis type 1 (NF1) (Ambry internal data). This variant is considered to be rare based on population cohorts in the Genome Aggregation Database (gnomAD). This alteration is expected to result in loss of function by premature protein truncation or nonsense-mediated mRNA decay. As such, this alteration is interpreted as a disease-causing mutation.

Labcorp Genetics (formerly Invitae), Labcorp
Classification: Pathogenic for Neurofibromatosis, type 1. Last evaluated: 2024-11-16. Review status: criteria provided, single submitter. Criteria: Invitae Variant Classification Sherloc (09022015). Collection method: clinical testing. Allele origin: germline.
Comment: This sequence change creates a premature translational stop signal (p.Thr2175Argfs*5) in the NF1 gene. It is expected to result in an absent or disrupted protein product. Loss-of-function variants in NF1 are known to be pathogenic (PMID: 10712197, 23913538). This variant is not present in population databases (gnomAD no frequency). This premature translational stop signal has been observed in individual(s) with NF1-related conditions (PMID: 21278392). This variant is also known as c.6524dupGA. ClinVar contains an entry for this variant (Variation ID: 2137997). For these reasons, this variant has been classified as Pathogenic.

Blueprint Genetics
Classification: Pathogenic for NF1-related disorders. Last evaluated: 2021-11-17. Review status: criteria provided, single submitter. Criteria: ACMG Guidelines, 2015. Collection method: clinical testing. Allele origin: germline. Affected: yes. Observed: 1 variant allele.

PreventionGenetics, part of Exact Sciences
Classification: Pathogenic for NF1-related condition. Last evaluated: 2024-03-28. Review status: no assertion criteria provided. Collection method: clinical testing. Allele origin: germline. Not counted in ClinVar's aggregate classification.
Comment: The NF1 c.6585_6586dupGA variant is predicted to result in a frameshift and premature protein termination (p.Thr2196Argfs*5). This variant was reported in an individual with neurofibromatosis type 1 and optic pathway gliomas (described as c.6524 dupGA, Sharif et al. 2011. PubMed ID: 21278392). To our knowledge, this variant has not been reported in a large population database, indicating it is rare. Frameshift variants in NF1 are expected to be pathogenic. This variant is interpreted as pathogenic.

Literature cited by the submitters: PubMed 10712197 (cited by Labcorp Genetics (formerly Invitae), Labcorp); PubMed 23913538 (cited by Labcorp Genetics (formerly Invitae), Labcorp); PubMed 21278392 (cited by Labcorp Genetics (formerly Invitae), Labcorp).

NM_001042492.3(NF1):c.6585_6586dup (p.Thr2196fs)

Gene: NF1 (neurofibromin 1; plus strand). Cytogenetic location: 17q11.2.
Variant type: Microsatellite.
Coding change: c.6585_6586dup on transcript NM_001042492.3 (MANE Select); coding-DNA positions 6585 to 6586, 2 bases duplicated (GA; older notation c.6585_6586dupGA).
Protein change: p.Thr2196fs; shifts the reading frame from threonine 2196.
Molecular consequence: frameshift variant.
Genome position (GRCh38, 1-based): chr17:31,337,525-31,337,526, GA duplicated; duplicating any 2 consecutive bases within chr17:31,337,517-31,337,526 gives the same sequence; the c. name uses the placement nearest the transcript's 3' end. VCF-style (leftmost placement, unchanged base first): chr17-31337516-T-TGA. GRCh37 (hg19) VCF-style: chr17-29664534-T-TGA.
Other names: c.6585_6586dupGA (NM_001042492.2); c.6514_6515GA[6], p.Thr2175Argfs (NM_000267.4); c.6522_6523dupGA (NM_000267.3); short protein forms T2196fs, T2175fs.
Identifiers: ClinVar variation 2137997 (VCV002137997.8), dbSNP rs1131691084, ClinGen allele CA2580614098.
Genomic context (GRCh38, chr17:31,337,516, plus strand): 5'-AGCTGCTGTCATTGCCTTCCGTTCCAGTTACCGGGACAGGTCATTCTCTCCTGGCTCCTA[T>TGA]GAGAGAGAGACTTTTGCTTTGACATCCTTGGAAACAGTCACAGAAGCTTTGTTGGAGATC-3'